The following is an entry in ClinVar:

NM_003859.3(DPM1):c.382A>G (p.Ile128Val)

Gene: DPM1 (dolichyl-phosphate mannosyltransferase subunit 1, catalytic; minus strand). Cytogenetic location: 20q13.13.
Variant type: single nucleotide variant.
Coding change: c.382A>G on transcript NM_003859.3 (MANE Select); coding-DNA position 382, A replaced by G.
Protein change: p.Ile128Val; replaces isoleucine 128 with valine.
Molecular consequence: missense variant. On other transcripts: non-coding transcript variant (1).
Genome position (GRCh38, 1-based): chr20:50,945,753, T>C on the plus strand (A>G on the coding strand, the complement: DPM1 is on the minus strand). VCF-style: chr20-50945753-T-C. GRCh37 (hg19) VCF-style: chr20-49562290-T-C.
Other names: c.382A>G (NM_003859.1); c.382A>G, p.Ile128Val (NM_001317034.1, NM_001317035.1, NM_001317036.1); short protein forms I128V.
Identifiers: ClinVar variation 1980025 (VCV001980025.6), dbSNP rs1986245938, ClinGen allele CA408989596.

ClinVar aggregate classification (germline): Uncertain significance. Review status: criteria provided, multiple submitters, no conflicts (2 of 4 stars). 2 submissions from 2 submitters: Uncertain significance (2). Last evaluated 2023-08-08.

Conditions:
Inborn genetic diseases. Identifiers: MedGen C0950123, MeSH D030342.
Congenital disorder of glycosylation type 1E (CDG1E). Also called: CDG Ie; CONGENITAL DISORDER OF GLYCOSYLATION, TYPE Ie. Identifiers: Orphanet 79322, MedGen C1837396, MONDO:0012123, OMIM 608799.

Allele frequency attached by ClinVar (database versions not stated): TOPMed below 0.00001.
gnomAD v4.1: 1 of 1,586,438 alleles (0.000063%); highest among the groups gnomAD compares: Non-Finnish European, 0.000087%; no homozygotes.

Submissions (2):

Ambry Genetics
Classification: Uncertain significance for Inborn genetic diseases. Last evaluated: 2023-08-08. Review status: criteria provided, single submitter. Criteria: Ambry Variant Classification Scheme 2023. Collection method: clinical testing. Allele origin: germline.

Labcorp Genetics (formerly Invitae), Labcorp
Classification: Uncertain significance for Congenital disorder of glycosylation type 1E. Last evaluated: 2022-01-13. Review status: criteria provided, single submitter. Criteria: Invitae Variant Classification Sherloc (09022015). Collection method: clinical testing. Allele origin: germline.
Comment: Algorithms developed to predict the effect of missense changes on protein structure and function are either unavailable or do not agree on the potential impact of this missense change (SIFT: "Tolerated"; PolyPhen-2: "Possibly Damaging"; Align-GVGD: "Class C0"). In summary, the available evidence is currently insufficient to determine the role of this variant in disease. Therefore, it has been classified as a Variant of Uncertain Significance. This variant has not been reported in the literature in individuals affected with DPM1-related conditions. This variant is not present in population databases (gnomAD no frequency). This sequence change replaces isoleucine, which is neutral and non-polar, with valine, which is neutral and non-polar, at codon 128 of the DPM1 protein (p.Ile128Val).